The following is an entry in ClinVar:

NM_001040108.2(MLH3):c.3830G>C (p.Cys1277Ser)

Gene: MLH3 (mutL homolog 3; minus strand). Cytogenetic location: 14q24.3.
Variant type: single nucleotide variant.
Coding change: c.3830G>C on transcript NM_001040108.2 (MANE Select); coding-DNA position 3830, G replaced by C.
Protein change: p.Cys1277Ser; replaces cysteine 1277 with serine.
Molecular consequence: missense variant.
Genome position (GRCh38, 1-based): chr14:75,030,700, C>G on the plus strand (G>C on the coding strand, the complement: MLH3 is on the minus strand). VCF-style: chr14-75030700-C-G. GRCh37 (hg19) VCF-style: chr14-75497403-C-G.
Other names: c.3758G>C, p.Cys1253Ser (NM_014381.3); short protein forms C1253S, C1277S.
Identifiers: ClinVar variation 1714814 (VCV001714814.5), dbSNP rs1410293317, ClinGen allele CA390423460.

ClinVar aggregate classification (germline): Uncertain significance (1 of 4 stars; one submission).

Conditions:
Colorectal cancer, hereditary nonpolyposis, type 7. Identifiers: Orphanet 144, MedGen C1858380, MONDO:0013725, OMIM 614385.

gnomAD v4.1: 1 of 1,612,392 alleles (0.000062%); no homozygotes.

Submission:

Labcorp Genetics (formerly Invitae), Labcorp
Classification: Uncertain significance for Colorectal cancer, hereditary nonpolyposis, type 7. Last evaluated: 2022-08-02. Review status: criteria provided, single submitter. Criteria: Invitae Variant Classification Sherloc (09022015). Collection method: clinical testing. Allele origin: germline.
Comment: Algorithms developed to predict the effect of missense changes on protein structure and function output the following: SIFT: "Tolerated"; PolyPhen-2: "Benign"; Align-GVGD: "Class C0". The serine amino acid residue is found in multiple mammalian species, which suggests that this missense change does not adversely affect protein function. In summary, the available evidence is currently insufficient to determine the role of this variant in disease. Therefore, it has been classified as a Variant of Uncertain Significance. This variant has not been reported in the literature in individuals affected with MLH3-related conditions. This variant is not present in population databases (gnomAD no frequency). This sequence change replaces cysteine, which is neutral and slightly polar, with serine, which is neutral and polar, at codon 1277 of the MLH3 protein (p.Cys1277Ser).